The following is an entry in ClinVar:

NM_017617.5(NOTCH1):c.1549C>A (p.Pro517Thr)

Gene: NOTCH1 (notch receptor 1; minus strand). Cytogenetic location: 9q34.3.
Variant type: single nucleotide variant.
Coding change: c.1549C>A on transcript NM_017617.5 (MANE Select); coding-DNA position 1549, C replaced by A.
Protein change: p.Pro517Thr; replaces proline 517 with threonine.
Molecular consequence: missense variant.
Genome position (GRCh38, 1-based): chr9:136,517,278, G>T on the plus strand (C>A on the coding strand, the complement: NOTCH1 is on the minus strand). VCF-style: chr9-136517278-G-T. GRCh37 (hg19) VCF-style: chr9-139411730-G-T.
Other names: short protein forms P517T.
Identifiers: ClinVar variation 3764473 (VCV003764473.1).

ClinVar aggregate classification (germline): Uncertain significance (1 of 4 stars; one submission).

Submission:

GeneDx
Classification: Uncertain significance. Last evaluated: 2024-08-20. Review status: criteria provided, single submitter. Criteria: GeneDx Variant Classification Process June 2021. Collection method: clinical testing. Allele origin: germline. Affected: yes.
Comment: Not observed at significant frequency in large population cohorts (gnomAD); In silico analysis supports that this missense variant has a deleterious effect on protein structure/function; Has not been previously published as pathogenic or benign to our knowledge